The following is an entry in ClinVar:

ClinVar aggregate classification (germline): Uncertain significance (1 of 4 stars; one submission).

Submission:

Labcorp Genetics (formerly Invitae), Labcorp
Classification: Uncertain significance. Last evaluated: 2025-07-15. Review status: criteria provided, single submitter. Criteria: Invitae Variant Classification Sherloc (09022015). Collection method: clinical testing. Allele origin: germline.
Comment: This sequence change affects codon 70 of the THBD mRNA. It is a 'silent' change, meaning that it does not change the encoded amino acid sequence of the THBD protein. This variant is not present in population databases (gnomAD no frequency). This variant has not been reported in the literature in individuals affected with THBD-related conditions. In summary, the available evidence is currently insufficient to determine the role of this variant in disease. Therefore, it has been classified as a Variant of Uncertain Significance.

NM_000361.3(THBD):c.210C>A (p.Val70=)

Gene: THBD (thrombomodulin; minus strand). Cytogenetic location: 20p11.21.
Variant type: single nucleotide variant.
Coding change: c.210C>A on transcript NM_000361.3 (MANE Select); coding-DNA position 210, C replaced by A.
Protein change: p.Val70=; no amino-acid change (valine 70 retained).
Molecular consequence: synonymous variant.
Genome position (GRCh38, 1-based): chr20:23,049,295, G>T on the plus strand (C>A on the coding strand, the complement: THBD is on the minus strand). VCF-style: chr20-23049295-G-T. GRCh37 (hg19) VCF-style: chr20-23029932-G-T.
Identifiers: ClinVar variation 4767217 (VCV004767217.1).
Genomic context (GRCh38, chr20:23,049,295, plus strand): 5'-CAGGCCGATCCAGAGGCGCCGGCGGCCAACGCCGCCGTCGCCGTTCAGTAGCAAGGAAAT[G>T]ACATCGGCAGCCACCGAGGAGCGCACTGTCATTAGGTGGCCCCGCAGTCCGTCGCAGATC-3'
Protein context (NP_000352.1, residues 60-80): MTVRSSVAAD[Val70=]ISLLLNGDGG